The following is an entry in ClinVar:

NM_022114.4(PRDM16):c.2513_2524dup (p.Gly838_Gln841dup)

Gene: PRDM16 (PR/SET domain 16; plus strand). Cytogenetic location: 1p36.32.
Variant type: Duplication.
Coding change: c.2513_2524dup on transcript NM_022114.4 (MANE Select); coding-DNA positions 2513 to 2524, 12 bases duplicated (GGCTGCCCCAGG).
Protein change: p.Gly838_Gln841dup.
Molecular consequence: inframe insertion.
Genome position (GRCh38, 1-based): chr1:3,412,710-3,412,721, GGCTGCCCCAGG duplicated; duplicating any 12 consecutive bases within chr1:3,412,707-3,412,721 gives the same sequence; the c. name uses the placement nearest the transcript's 3' end. VCF-style (leftmost placement, unchanged base first): chr1-3412706-G-GAGGGGCTGCCCC. GRCh37 (hg19) VCF-style: chr1-3329270-G-GAGGGGCTGCCCC.
Other names: c.2513_2524dup, p.Gly838_Gln841dup (NM_199454.3).
Identifiers: ClinVar variation 861551 (VCV000861551.8), dbSNP rs771093380, ClinGen allele CA544496.
Genomic context (GRCh38, chr1:3,412,706, plus strand): 5'-GGCGGCGGGCGGGAGCCCCGCAAGAACCACGTCTATGGGGAACGCAAGCTGGGCGCCGGC[G>GAGGGGCTGCCCC]AGGGGCTGCCCCAGGTGTGCCCGGCGCGGATGCCCCAGCAGCCCCCGCTCCACTACGCCA-3'

ClinVar aggregate classification (germline): Uncertain significance (1 of 4 stars; one submission).

Conditions:
Left ventricular noncompaction 8 (LVNC8). Identifiers: Orphanet 154, Orphanet 54260, MedGen C3809288, MONDO:0014152, OMIM 615373.

Submission:

Labcorp Genetics (formerly Invitae), Labcorp
Classification: Uncertain significance for Left ventricular noncompaction 8. Last evaluated: 2025-06-22. Review status: criteria provided, single submitter. Criteria: Invitae Variant Classification Sherloc (09022015). Collection method: clinical testing. Allele origin: germline.
Comment: This variant, c.2513_2524dup, results in the insertion of 4 amino acid(s) of the PRDM16 protein (p.Gly838_Gln841dup), but otherwise preserves the integrity of the reading frame. This variant is present in population databases (rs771093380, gnomAD 0.04%). This variant has not been reported in the literature in individuals affected with PRDM16-related conditions. ClinVar contains an entry for this variant (Variation ID: 861551). Experimental studies and prediction algorithms are not available or were not evaluated, and the functional significance of this variant is currently unknown. In summary, the available evidence is currently insufficient to determine the role of this variant in disease. Therefore, it has been classified as a Variant of Uncertain Significance.